The following is an entry in ClinVar:

NM_020297.4(ABCC9):c.3757C>G (p.Leu1253Val)

Genes: ABCC9 (ATP binding cassette subfamily C member 9; minus strand), KCNJ8-AS1 (KCNJ8 antisense RNA 1; plus strand). Cytogenetic location: 12p12.1.
Variant type: single nucleotide variant.
Coding change: c.3757C>G on transcript NM_020297.4 (MANE Select); coding-DNA position 3757, C replaced by G.
Protein change: p.Leu1253Val; replaces leucine 1253 with valine.
Molecular consequence: missense variant.
Genome position (GRCh38, 1-based): chr12:21,818,164, G>C on the plus strand (C>G on the coding strand, the complement: ABCC9 is on the minus strand). VCF-style: chr12-21818164-G-C. GRCh37 (hg19) VCF-style: chr12-21971098-G-C.
Other names: c.3757C>G, p.Leu1253Val (NM_001377273.1, NM_005691.4); c.2890C>G, p.Leu964Val (NM_001377274.1); short protein forms L1253V, L964V.
Identifiers: ClinVar variation 1303878 (VCV001303878.6), dbSNP rs2137194656, ClinGen allele CA384137428.

ClinVar aggregate classification (germline): Uncertain significance. Review status: criteria provided, multiple submitters, no conflicts (2 of 4 stars). 2 submissions from 2 submitters: Uncertain significance (2). Last evaluated 2025-12-14.

Conditions:
Dilated cardiomyopathy 1O (CMD1O). Also called: CARDIOMYOPATHY, DILATED, WITH VENTRICULAR TACHYCARDIA. Identifiers: Orphanet 154, MedGen C1837839, MONDO:0012062, OMIM 608569.

Submissions (2):

Labcorp Genetics (formerly Invitae), Labcorp
Classification: Uncertain significance for Dilated cardiomyopathy 1O. Last evaluated: 2025-12-14. Review status: criteria provided, single submitter. Criteria: Invitae Variant Classification Sherloc (09022015). Collection method: clinical testing. Allele origin: germline.
Comment: This sequence change replaces leucine, which is neutral and non-polar, with valine, which is neutral and non-polar, at codon 1253 of the ABCC9 protein (p.Leu1253Val). This variant is not present in population databases (gnomAD no frequency). This missense change has been observed in individual(s) with left ventricular noncompaction cardiomyopathy (PMID: 28798025). ClinVar contains an entry for this variant (Variation ID: 1303878). Invitae Evidence Modeling of protein sequence and biophysical properties (such as structural, functional, and spatial information, amino acid conservation, physicochemical variation, residue mobility, and thermodynamic stability) indicates that this missense variant is not expected to disrupt ABCC9 protein function with a negative predictive value of 80%. Algorithms developed to predict the effect of sequence changes on RNA splicing suggest that this variant may disrupt the consensus splice site. In summary, the available evidence is currently insufficient to determine the role of this variant in disease. Therefore, it has been classified as a Variant of Uncertain Significance.

GeneDx
Classification: Uncertain significance. Last evaluated: 2021-01-14. Review status: criteria provided, single submitter. Criteria: GeneDx Variant Classification Process June 2021. Collection method: clinical testing. Allele origin: germline. Affected: yes.
Comment: Reported in an individual with left ventricular hypertrabeculation who harbored an additional missense variant in the SYNE2 gene (Miszalski-Jamka et al., 2017); In silico analysis supports that this missense variant does not alter protein structure/function; Not observed in large population cohorts (Lek et al., 2016); This variant is associated with the following publications: (PMID: 28798025)

Literature cited by the submitters: PubMed 28798025 (cited by Labcorp Genetics (formerly Invitae), Labcorp).